The following is an entry in ClinVar:

ClinVar aggregate classification (germline): Likely benign. Review status: criteria provided, single submitter (1 of 4 stars). 2 submissions from 2 submitters: Likely benign (1). 1 of the submissions does not count toward it. Last evaluated 2025-12-22.

Conditions:
PER2-related disorder. Also called: PER2-related condition.

Allele frequency attached by ClinVar (database versions not stated): gnomAD exomes 0.00014; ExAC 0.00036; 1000 Genomes Project 0.00120; ESP Exome Variant Server 0.00123; gnomAD 0.00134; 1000 Genomes Project 30x 0.00141; TOPMed 0.00167.
gnomAD v4.1: 407 of 1,611,432 alleles (0.025%); highest among the groups gnomAD compares: African/African-American, 0.49%; 2 homozygotes.

Submissions (2):

Ambry Genetics
Classification: Likely benign. Last evaluated: 2025-12-22. Review status: criteria provided, single submitter. Criteria: Ambry Variant Classification Scheme 2023. Collection method: clinical testing. Allele origin: germline.

PreventionGenetics, part of Exact Sciences
Classification: Benign for PER2-related condition. Last evaluated: 2019-10-28. Review status: no assertion criteria provided. Collection method: clinical testing. Allele origin: germline. Not counted in ClinVar's aggregate classification.
Comment: This variant is classified as benign based on ACMG/AMP sequence variant interpretation guidelines (Richards et al. 2015 PMID: 25741868, with internal and published modifications).

NM_022817.3(PER2):c.3707C>T (p.Ser1236Leu)

Genes: PER2 (period circadian regulator 2; minus strand), LOC126806575 (BRD4-independent group 4 enhancer GRCh37_chr2:239154789-239155988; plus strand). Cytogenetic location: 2q37.3.
Variant type: single nucleotide variant.
Coding change: c.3707C>T on transcript NM_022817.3 (MANE Select); coding-DNA position 3707, C replaced by T.
Protein change: p.Ser1236Leu; replaces serine 1236 with leucine.
Molecular consequence: missense variant.
Genome position (GRCh38, 1-based): chr2:238,246,436, G>A on the plus strand (C>T on the coding strand, the complement: PER2 is on the minus strand). VCF-style: chr2-238246436-G-A. GRCh37 (hg19) VCF-style: chr2-239155077-G-A.
Other names: short protein forms S1236L.
Identifiers: ClinVar variation 3037437 (VCV003037437.3), dbSNP rs73088906, ClinGen allele CA2196701.